The following is an entry in ClinVar:

ClinVar aggregate classification (germline): Likely benign (1 of 4 stars; one submission).

gnomAD v4.1: 1,225 of 1,614,228 alleles (0.076%); highest among the groups gnomAD compares: Admixed American, 0.17%; 2 homozygotes.

Submission:

CeGaT Center for Human Genetics Tuebingen
Classification: Likely benign. Last evaluated: 2026-09-01. Review status: criteria provided, single submitter. Criteria: CeGaT Center For Human Genetics Tuebingen Variant Classification Criteria Version 2. Collection method: clinical testing. Allele origin: germline. Affected: yes. Observed: 2 variant alleles.
Comment: ITPR3: BP4, BP7, BS1

NM_002224.4(ITPR3):c.1839C>T (p.Thr613=)

Gene: ITPR3 (inositol 1,4,5-trisphosphate receptor type 3; plus strand). Cytogenetic location: 6p21.31.
Variant type: single nucleotide variant.
Coding change: c.1839C>T on transcript NM_002224.4 (MANE Select); coding-DNA position 1839, C replaced by T.
Protein change: p.Thr613=; no amino-acid change (threonine 613 retained).
Molecular consequence: synonymous variant.
Genome position (GRCh38, 1-based): chr6:33,667,917, C>T. VCF-style: chr6-33667917-C-T. GRCh37 (hg19) VCF-style: chr6-33635694-C-T.
Identifiers: ClinVar variation 5038576 (VCV005038576.1).